The following is an entry in ClinVar:

NM_000038.6(APC):c.1958+1013C>T

Gene: APC (APC regulator of WNT signaling pathway; plus strand). Cytogenetic location: 5q22.2.
Variant type: single nucleotide variant.
Coding change: c.1958+1013C>T on transcript NM_000038.6 (MANE Select); 1013 bases into the intron after coding-DNA position 1958, C replaced by T.
Molecular consequence: intron variant.
Genome position (GRCh38, 1-based): chr5:112,836,178, C>T. VCF-style: chr5-112836178-C-T. GRCh37 (hg19) VCF-style: chr5-112171875-C-T.
Other names: c.1958+1013C>T (NM_001354895.2, NM_001127510.3); c.1988+1013C>T (NM_001354897.2); c.1685+1013C>T (NM_001354902.2); c.1904+1013C>T (NM_001127511.3); c.1883+1013C>T (NM_001354898.2); c.1580+1013C>T (NM_001354904.2); c.1109+1013C>T (NM_001354906.2); c.2012+1013C>T (NM_001354896.2); and 5 more.
Identifiers: ClinVar variation 82625 (VCV000082625.2), dbSNP rs74983686, ClinGen allele CA006605.
Genomic context (GRCh38, chr5:112,836,178, plus strand): 5'-TCAAGCGATTCTCCTGCCTCAGCCTCCCGAGTAGCTGGGATTACAGGTCCCCCCCCCCCC[C>T]CGCCACCGTGCCCGGCTAATTTTTATATTTTTAGTAGAGACGGGGCTTCACCATGTTGGC-3'

ClinVar aggregate classification (germline): other (0 of 4 stars; one submission).

Conditions:
Familial colorectal cancer. Identifiers: MedGen CN280943, MONDO:0023113. Disease mechanism: loss of function.

Allele frequency attached by ClinVar (database versions not stated): gnomAD 0.05713 and 0.05816.
gnomAD v4.1: 5,107 of 88,080 alleles (5.8%); highest among the groups gnomAD compares: East Asian, 21%; 642 homozygotes.

Submission:

Systems Biology Platform Zhejiang California International NanoSystems Institute
Classification: other for Familial colorectal cancer. Review status: no assertion criteria provided. Collection method: not provided. Allele origin: unknown.
ClinVar note: Converted during submission from cancer to other.